The following is an entry in ClinVar:

NM_014855.3(AP5Z1):c.1311+2T>C

Gene: AP5Z1 (adaptor related protein complex 5 subunit zeta 1; plus strand). Cytogenetic location: 7p22.1.
Variant type: single nucleotide variant.
Coding change: c.1311+2T>C on transcript NM_014855.3 (MANE Select); the canonical splice donor site of the intron after coding-DNA position 1311, T replaced by C.
Molecular consequence: splice donor variant.
Genome position (GRCh38, 1-based): chr7:4,786,430, T>C. VCF-style: chr7-4786430-T-C. GRCh37 (hg19) VCF-style: chr7-4826061-T-C.
Other names: c.843+2T>C (NM_001364858.1).
Identifiers: ClinVar variation 4738295 (VCV004738295.1).

ClinVar aggregate classification (germline): Likely pathogenic (1 of 4 stars; one submission).

Conditions:
Hereditary spastic paraplegia 48. Also called: Spastic paraplegia 48; SPASTIC PARAPLEGIA 48, AUTOSOMAL RECESSIVE. Identifiers: Orphanet 306511, MedGen C3150901, MONDO:0013342, OMIM 613647.

gnomAD v4.1: 2 of 1,613,166 alleles (0.00012%); highest among the groups gnomAD compares: African/African-American, 0.0013%; no homozygotes.

Submission:

Labcorp Genetics (formerly Invitae), Labcorp
Classification: Likely pathogenic for Hereditary spastic paraplegia 48. Last evaluated: 2025-05-14. Review status: criteria provided, single submitter. Criteria: Invitae Variant Classification Sherloc (09022015). Collection method: clinical testing. Allele origin: germline.
Comment: This sequence change affects a donor splice site in intron 10 of the AP5Z1 gene. It is expected to disrupt RNA splicing. Variants that disrupt the donor or acceptor splice site typically lead to a loss of protein function (PMID: 16199547), and loss-of-function variants in AP5Z1 are known to be pathogenic (PMID: 20613862, 27606357). This variant is present in population databases (rs752913500, gnomAD 0.003%). This variant has not been reported in the literature in individuals affected with AP5Z1-related conditions. Algorithms developed to predict the effect of sequence changes on RNA splicing suggest that this variant may disrupt the consensus splice site. In summary, the currently available evidence indicates that the variant is pathogenic, but additional data are needed to prove that conclusively. Therefore, this variant has been classified as Likely Pathogenic.

Literature cited by the submitters: PubMed 16199547; PubMed 20613862; PubMed 27606357.